The following is an entry in ClinVar:

NM_019066.5(MAGEL2):c.1346C>T (p.Pro449Leu)

Gene: MAGEL2 (MAGE family member L2; minus strand). Cytogenetic location: 15q11.2.
Variant type: single nucleotide variant.
Coding change: c.1346C>T on transcript NM_019066.5 (MANE Select); coding-DNA position 1346, C replaced by T.
Protein change: p.Pro449Leu; replaces proline 449 with leucine.
Molecular consequence: missense variant.
Genome position (GRCh38, 1-based): chr15:23,646,397, G>A on the plus strand (C>T on the coding strand, the complement: MAGEL2 is on the minus strand). VCF-style: chr15-23646397-G-A. GRCh37 (hg19) VCF-style: chr15-23891544-G-A.
Other names: short protein forms P449L.
Identifiers: ClinVar variation 4994042 (VCV004994042.1).

ClinVar aggregate classification (germline): Uncertain significance (1 of 4 stars; one submission).

Conditions:
MAGEL2-related disorder. Also called: MAGEL2-related condition.

gnomAD v4.1: 3 of 1,402,142 alleles (0.00021%); highest among the groups gnomAD compares: Non-Finnish European, 0.00028%; no homozygotes.

Submission:

PreventionGenetics, part of Exact Sciences
Classification: Uncertain significance for MAGEL2-related condition. Last evaluated: 2026-04-24. Review status: criteria provided, single submitter. Criteria: ACMG Guidelines, 2015. Collection method: clinical testing. Allele origin: germline.
Comment: The MAGEL2 c.1346C>T variant is predicted to result in the amino acid substitution p.Pro449Leu. To our knowledge, this variant has not been reported in the literature or in a large population database (gnomAD), indicating this variant is rare. At this time, the clinical significance of this variant is uncertain due to the absence of conclusive functional and genetic evidence.